The following is an entry in ClinVar:

NM_022124.6(CDH23):c.7633A>G (p.Thr2545Ala)

Gene: CDH23 (cadherin related 23; plus strand). Cytogenetic location: 10q22.1.
Variant type: single nucleotide variant.
Coding change: c.7633A>G on transcript NM_022124.6 (MANE Select); coding-DNA position 7633, A replaced by G.
Protein change: p.Thr2545Ala; replaces threonine 2545 with alanine.
Molecular consequence: missense variant.
Genome position (GRCh38, 1-based): chr10:71,803,048, A>G. VCF-style: chr10-71803048-A-G. GRCh37 (hg19) VCF-style: chr10-73562805-A-G.
Other names: c.913A>G, p.Thr305Ala (NM_001171933.1, NM_001171934.1); short protein forms T2545A, T305A.
Identifiers: ClinVar variation 1403763 (VCV001403763.5), dbSNP rs1160563056, ClinGen allele CA377160905.

ClinVar aggregate classification (germline): Uncertain significance (1 of 4 stars; one submission).

Allele frequency attached by ClinVar (database versions not stated): gnomAD exomes below 0.00001.
gnomAD v4.1: 3 of 1,612,608 alleles (0.00019%); highest among the groups gnomAD compares: East Asian, 0.0022%; no homozygotes.

Submission:

Labcorp Genetics (formerly Invitae), Labcorp
Classification: Uncertain significance. Last evaluated: 2021-09-01. Review status: criteria provided, single submitter. Criteria: Invitae Variant Classification Sherloc (09022015). Collection method: clinical testing. Allele origin: germline.
Comment: This sequence change replaces threonine with alanine at codon 2545 of the CDH23 protein (p.Thr2545Ala). The threonine residue is moderately conserved and there is a small physicochemical difference between threonine and alanine. This variant is not present in population databases (ExAC no frequency). This variant has not been reported in the literature in individuals affected with CDH23-related conditions. Algorithms developed to predict the effect of missense changes on protein structure and function output the following: SIFT: "Tolerated"; PolyPhen-2: "Not Available"; Align-GVGD: "Class C0". The alanine amino acid residue is found in multiple mammalian species, which suggests that this missense change does not adversely affect protein function. In summary, the available evidence is currently insufficient to determine the role of this variant in disease. Therefore, it has been classified as a Variant of Uncertain Significance.